The following is an entry in ClinVar:

ClinVar aggregate classification (germline): Uncertain significance (1 of 4 stars; one submission).

Allele frequency attached by ClinVar (database versions not stated): gnomAD 0.00001; gnomAD exomes 0.00001; ExAC 0.00003.
gnomAD v4.1: 9 of 1,614,040 alleles (0.00056%); highest among the groups gnomAD compares: East Asian, 0.018%; no homozygotes.

Submission:

Ambry Genetics
Classification: Uncertain significance. Last evaluated: 2022-12-23. Review status: criteria provided, single submitter. Criteria: Ambry Variant Classification Scheme 2023. Collection method: clinical testing. Allele origin: germline.
Comment: The p.H134R variant (also known as c.401A>G), located in coding exon 4 of the PKP4 gene, results from an A to G substitution at nucleotide position 401. The histidine at codon 134 is replaced by arginine, an amino acid with highly similar properties. This amino acid position is conserved. In addition, this alteration is predicted to be deleterious by in silico analysis. Since supporting evidence is limited at this time, the clinical significance of this alteration remains unclear.

NM_003628.6(PKP4):c.401A>G (p.His134Arg)

Gene: PKP4 (plakophilin 4; plus strand). Cytogenetic location: 2q24.1.
Variant type: single nucleotide variant.
Coding change: c.401A>G on transcript NM_003628.6 (MANE Select); coding-DNA position 401, A replaced by G.
Protein change: p.His134Arg; replaces histidine 134 with arginine.
Molecular consequence: missense variant. On other transcripts: 5 prime UTR variant (1).
Genome position (GRCh38, 1-based): chr2:158,621,110, A>G. VCF-style: chr2-158621110-A-G. GRCh37 (hg19) VCF-style: chr2-159477622-A-G.
Other names: c.401A>G, p.His134Arg (NM_001005476.4, NM_001304969.3, NM_001304971.2 and 9 more transcripts); c.-549A>G (NM_001304970.3); short protein forms H134R.
Identifiers: ClinVar variation 2448019 (VCV002448019.2), dbSNP rs756820225, ClinGen allele CA1920389.
Genomic context (GRCh38, chr2:158,621,110, plus strand): 5'-ATCTCATCAGGACAGAGCCAGAACAAGGAACCCTCTATTCACCAGAACAGACATCTCTCC[A>G]TGAAAGTGAGGGTCTGTTGTGTTATCTTTTAAGTACTGGATTTGCTTTTAAGATTTTATT-3'
Protein context (NP_003619.2, residues 124-144): TLYSPEQTSL[His134Arg]ESEGSLGNSR